The following is an entry in ClinVar:

NM_000257.4(MYH7):c.1072C>T (p.His358Tyr)

Gene: MYH7 (myosin heavy chain 7; minus strand). Cytogenetic location: 14q11.2.
Variant type: single nucleotide variant.
Coding change: c.1072C>T on transcript NM_000257.4 (MANE Select); coding-DNA position 1072, C replaced by T.
Protein change: p.His358Tyr; replaces histidine 358 with tyrosine.
Molecular consequence: missense variant.
Genome position (GRCh38, 1-based): chr14:23,429,841, G>A on the plus strand (C>T on the coding strand, the complement: MYH7 is on the minus strand). VCF-style: chr14-23429841-G-A. GRCh37 (hg19) VCF-style: chr14-23899050-G-A.
Other names: c.1072C>T, p.His358Tyr (NM_001407004.1); short protein forms H358Y.
Identifiers: ClinVar variation 2663260 (VCV002663260.1), dbSNP rs2502305441, ClinGen allele CA389051420.

ClinVar aggregate classification (germline): Uncertain significance (1 of 4 stars; one submission).

Submission:

GeneDx
Classification: Uncertain significance. Last evaluated: 2023-05-12. Review status: criteria provided, single submitter. Criteria: GeneDx Variant Classification Process June 2021. Collection method: clinical testing. Allele origin: germline. Affected: yes.
Comment: Not observed at significant frequency in large population cohorts (gnomAD); In silico analysis supports that this missense variant has a deleterious effect on protein structure/function; Has not been previously published as pathogenic or benign to our knowledge; This variant is associated with the following publications: (PMID: 27532257, 29300372)